The following is an entry in ClinVar:

NM_000127.3(EXT1):c.293del (p.Cys98fs)

Gene: EXT1 (exostosin glycosyltransferase 1; minus strand). Cytogenetic location: 8q24.11.
Variant type: Deletion.
Coding change: c.293del on transcript NM_000127.3 (MANE Select); coding-DNA position 293, one base deleted (G; older notation c.293delG).
Protein change: p.Cys98fs; shifts the reading frame from cysteine 98.
Molecular consequence: frameshift variant.
Genome position (GRCh38, 1-based): chr8:118,110,754, C deleted on the plus strand (G on the coding strand, the reverse complement: EXT1 is on the minus strand). VCF-style (leftmost placement, unchanged base first): chr8-118110753-GC-G. GRCh37 (hg19) VCF-style: chr8-119122992-GC-G.
Other names: short protein forms C98fs.
Identifiers: ClinVar variation 1444962 (VCV001444962.6), dbSNP rs2130044416, ClinGen allele CA2573142837.
Genomic context (GRCh38, chr8:118,110,753, plus strand): 5'-TACGTAGACTTTGAAGCCGTTTTTCTTGCAAAGGGTGAAATCGAAGCAGGACTCCATGCG[GC>G]ACTTCTTGCCTTTGTAGATGCTGGAGTTGGCATCTCGCTTCTGCCGGGGGGAAATGTGCA-3'

ClinVar aggregate classification (germline): Pathogenic (1 of 4 stars; one submission).

Conditions:
Multiple congenital exostosis (EXT). Also called: MULTIPLE CARTILAGINOUS EXOSTOSES; Hereditary multiple exostoses; Hereditary multiple exostosis; Multiple exostoses; Multiple osteochondromas; Hereditary multiple osteochondromas. Identifiers: Orphanet 321, MedGen C0015306, MONDO:0005508, HP:0002762.

Submission:

Labcorp Genetics (formerly Invitae), Labcorp
Classification: Pathogenic for Multiple congenital exostosis. Last evaluated: 2021-05-19. Review status: criteria provided, single submitter. Criteria: Invitae Variant Classification Sherloc (09022015). Collection method: clinical testing. Allele origin: germline.
Comment: This variant is not present in population databases (ExAC no frequency). This variant has not been reported in the literature in individuals with EXT1-related conditions. This sequence change creates a premature translational stop signal (p.Cys98Serfs*38) in the EXT1 gene. It is expected to result in an absent or disrupted protein product. Loss-of-function variants in EXT1 are known to be pathogenic (PMID: 10679937, 11391482, 19810120). For these reasons, this variant has been classified as Pathogenic.

Literature cited by the submitters: PubMed 10679937; PubMed 11391482; PubMed 19810120.